The following is an entry in ClinVar:

NM_014694.4(ADAMTSL2):c.718C>T (p.Arg240Ter)

Gene: ADAMTSL2 (ADAMTS like 2; plus strand). Cytogenetic location: 9q34.2.
Variant type: single nucleotide variant.
Coding change: c.718C>T on transcript NM_014694.4 (MANE Select); coding-DNA position 718, C replaced by T.
Protein change: p.Arg240Ter; replaces arginine 240 with a stop codon.
Molecular consequence: nonsense.
Genome position (GRCh38, 1-based): chr9:133,544,505, C>T. VCF-style: chr9-133544505-C-T. GRCh37 (hg19) VCF-style: chr9-136409627-C-T.
Other names: c.718C>T, p.Arg240Ter (NM_001145320.2); c.718C>T (NM_014694.3); short protein forms R240*.
Identifiers: ClinVar variation 1710165 (VCV001710165.2), dbSNP rs778178248, ClinGen allele CA5312730.

ClinVar aggregate classification (germline): Pathogenic/Likely pathogenic. Review status: criteria provided, multiple submitters, no conflicts (2 of 4 stars). 2 submissions from 2 submitters: Pathogenic (1); Likely pathogenic (1). Last evaluated 2026-01-26.

Conditions:
Lethal short-limb skeletal dysplasia, Al Gazali type. Also called: Lethal neonatal short limb dwarfism. Identifiers: Orphanet 646136, MedGen C1832435, MONDO:0011051, OMIM 601356.

Allele frequency attached by ClinVar (database versions not stated): ExAC 0.00001.
gnomAD v4.1: 2 of 1,614,144 alleles (0.00012%); highest among the groups gnomAD compares: Admixed American, 0.0017%; no homozygotes.

Submissions (2):

GeneDx
Classification: Pathogenic. Last evaluated: 2026-01-26. Review status: criteria provided, single submitter. Criteria: GeneDx Variant Classification Process June 2021. Collection method: clinical testing. Allele origin: germline.
Comment: Nonsense variant predicted to result in protein truncation or nonsense mediated decay in a gene for which loss of function is a known mechanism of disease; Not observed at significant frequency in large population cohorts (gnomAD); This variant is associated with the following publications: (PMID: 36896612)

Rare Disease Group, Clinical Genetics, Karolinska Institutet
Classification: Likely pathogenic for Lethal short-limb skeletal dysplasia, Al Gazali type. Last evaluated: 2022-10-11. Review status: criteria provided, single submitter. Criteria: ACMG Guidelines, 2015. Collection method: clinical testing. Allele origin: germline. Affected: yes.